The following is an entry in ClinVar:

ClinVar aggregate classification (germline): Uncertain significance. Review status: criteria provided, multiple submitters, no conflicts (2 of 4 stars). 5 submissions from 5 submitters: Uncertain significance (4). 1 of the submissions does not count toward it. Last evaluated 2026-05-08.

Conditions:
CEP290-related disorder. Also called: CEP290-related condition; CEP290-related disorders. Identifiers: MedGen CN239314.
Leber congenital amaurosis (LCA). Also called: Leber's amaurosis. Identifiers: Orphanet 65, MedGen C0339527, MeSH D057130, MONDO:0018998.
Inborn genetic diseases. Identifiers: MedGen C0950123, MeSH D030342.
Nephronophthisis. Also called: Juvenile Nephronophthisis. Identifiers: Orphanet 655, MedGen C0687120, MONDO:0019005, HP:0000090.
Meckel-Gruber syndrome. Also called: GRUBER SYNDROME; Dysencephalia splachnocystica; DYSENCEPHALIA SPLANCHNOCYSTICA. Identifiers: Orphanet 564, MedGen C0265215, MONDO:0018921.
Joubert syndrome. Also called: Familial aplasia of the vermis; JOUBERT-BOLTSHAUSER SYNDROME. Identifiers: Orphanet 475, MedGen C5979921, MONDO:0018772.

Allele frequency attached by ClinVar (database versions not stated): gnomAD exomes 0.00001 and 0.00003; gnomAD 0.00003; ExAC 0.00004; TOPMed 0.00004; ESP Exome Variant Server 0.00010.

Submissions (5):

PreventionGenetics, part of Exact Sciences
Classification: Uncertain significance for CEP290-related condition. Last evaluated: 2026-05-08. Review status: criteria provided, single submitter. Criteria: ACMG Guidelines, 2015. Collection method: clinical testing. Allele origin: germline.
Comment: The CEP290 c.2029C>T variant is predicted to result in the amino acid substitution p.Pro677Ser. To our knowledge, this variant has not been reported in the literature. This variant is reported in 0.0049% of alleles in individuals of European (Non-Finnish) descent in gnomAD. At this time, the clinical significance of this variant is uncertain due to the absence of conclusive functional and genetic evidence.

Blueprint Genetics
Classification: Uncertain significance. Last evaluated: 2024-07-30. Review status: criteria provided, single submitter. Criteria: ACMG Guidelines, 2015. Collection method: clinical testing. Allele origin: germline.

Ambry Genetics
Classification: Uncertain significance for Inborn genetic diseases. Last evaluated: 2024-05-09. Review status: criteria provided, single submitter. Criteria: Ambry Variant Classification Scheme 2023. Collection method: clinical testing. Allele origin: germline.

Labcorp Genetics (formerly Invitae), Labcorp
Classification: Uncertain significance for Joubert syndrome; Meckel-Gruber syndrome; Nephronophthisis. Last evaluated: 2022-08-08. Review status: criteria provided, single submitter. Criteria: Invitae Variant Classification Sherloc (09022015). Collection method: clinical testing. Allele origin: germline.
Comment: This sequence change replaces proline, which is neutral and non-polar, with serine, which is neutral and polar, at codon 677 of the CEP290 protein (p.Pro677Ser). This variant is present in population databases (rs375523390, gnomAD 0.003%). This variant has not been reported in the literature in individuals affected with CEP290-related conditions. ClinVar contains an entry for this variant (Variation ID: 991350). Algorithms developed to predict the effect of missense changes on protein structure and function are either unavailable or do not agree on the potential impact of this missense change (SIFT: "Deleterious"; PolyPhen-2: "Probably Damaging"; Align-GVGD: "Class C0"). In summary, the available evidence is currently insufficient to determine the role of this variant in disease. Therefore, it has been classified as a Variant of Uncertain Significance.

Natera, Inc.
Classification: Uncertain significance for Leber congenital amaurosis. Last evaluated: 2020-04-17. Review status: no assertion criteria provided. Collection method: clinical testing. Allele origin: germline. Not counted in ClinVar's aggregate classification.

NM_025114.4(CEP290):c.2029C>T (p.Pro677Ser)

Gene: CEP290 (centrosomal protein 290; minus strand). Cytogenetic location: 12q21.32.
Variant type: single nucleotide variant.
Coding change: c.2029C>T on transcript NM_025114.4 (MANE Select); coding-DNA position 2029, C replaced by T.
Protein change: p.Pro677Ser; replaces proline 677 with serine.
Molecular consequence: missense variant.
Genome position (GRCh38, 1-based): chr12:88,114,443, G>A on the plus strand (C>T on the coding strand, the complement: CEP290 is on the minus strand). VCF-style: chr12-88114443-G-A. GRCh37 (hg19) VCF-style: chr12-88508220-G-A.
Other names: c.2029C>T (NM_025114.3); short protein forms P677S.
Identifiers: ClinVar variation 991350 (VCV000991350.8), dbSNP rs375523390, ClinGen allele CA6712420.
Genomic context (GRCh38, chr12:88,114,443, plus strand): 5'-ATAGGGGAAAAACATTAACATGAAAAAAATAACTTACATTAACTAGTCTTTCAAGGCTAG[G>A]GATAATTAGAGATGTTTCTCCTCCTTTAACATCAGGATCTTTCTGCATTTCCTTAATTGC-3'
Protein context (NP_079390.3, residues 667-687): VKGGETSLII[Pro677Ser]SLERLVNAIE